The following is an entry in ClinVar:

NM_001199397.3(NEK1):c.1830A>G (p.Glu610=)

Gene: NEK1 (NIMA related kinase 1; minus strand). Cytogenetic location: 4q33.
Variant type: single nucleotide variant.
Coding change: c.1830A>G on transcript NM_001199397.3 (MANE Select); coding-DNA position 1830, A replaced by G.
Protein change: p.Glu610=; no amino-acid change (glutamic acid 610 retained).
Molecular consequence: synonymous variant. On other transcripts: non-coding transcript variant (1).
Genome position (GRCh38, 1-based): chr4:169,508,251, T>C on the plus strand (A>G on the coding strand, the complement: NEK1 is on the minus strand). VCF-style: chr4-169508251-T-C. GRCh37 (hg19) VCF-style: chr4-170429402-T-C.
Other names: p.Glu610=; c.1830A>G (NM_001199397.2); c.1698A>G, p.Glu566= (NM_001199398.3); c.1539A>G, p.Glu513= (NM_001199399.3); c.1614A>G, p.Glu538= (NM_001199400.3); c.1830A>G, p.Glu610= (NM_001374418.1); c.1746A>G, p.Glu582= (NM_001374419.1, NM_012224.4); c.1695A>G, p.Glu565= (NM_001374420.1); and 1 more.
Identifiers: ClinVar variation 95507 (VCV000095507.35), dbSNP rs17544885, ClinGen allele CA148571.

ClinVar aggregate classification (germline): Benign/Likely benign. Review status: criteria provided, multiple submitters, no conflicts (2 of 4 stars). 10 submissions from 10 submitters: Benign (8); Likely benign (1). 1 of the submissions does not count toward it. Last evaluated 2026-02-04.

Conditions:
Short-rib thoracic dysplasia 6 with or without polydactyly (SRTD6). Also called: Majewski Syndrome; POLYDACTYLY WITH NEONATAL CHONDRODYSTROPHY, TYPE II; SHORT RIB-POLYDACTYLY SYNDROME, TYPE IIA; SHORT-RIB THORACIC DYSPLASIA 6 WITH POLYDACTYLY; SHORT-RIB THORACIC DYSPLASIA 6 WITHOUT POLYDACTYLY. Identifiers: MedGen C0024507, MONDO:0009894, OMIM 263520.

Allele frequency attached by ClinVar (database versions not stated): gnomAD exomes 0.04747 and 0.05271; 1000 Genomes Project 0.05052; gnomAD 0.05849 and 0.05674; TOPMed 0.05758; 1000 Genomes Project 30x 0.05184; ESP Exome Variant Server 0.05691; ExAC 0.08803.
gnomAD v4.1: 84,194 of 1,585,850 alleles (5.3%); highest among the groups gnomAD compares: African/African-American, 7.1%; 2,433 homozygotes.

Submissions (34):

Labcorp Genetics (formerly Invitae), Labcorp
Classification: Benign for Short-rib thoracic dysplasia 6 with or without polydactyly. Last evaluated: 2026-02-04. Review status: criteria provided, single submitter. Criteria: Invitae Variant Classification Sherloc (09022015). Collection method: clinical testing. Allele origin: germline.

ARUP Laboratories, Molecular Genetics and Genomics, ARUP Laboratories
Classification: Benign. Last evaluated: 2025-06-13. Review status: criteria provided, single submitter. Criteria: ARUP Molecular Germline Variant Investigation Process 2024. Collection method: clinical testing. Allele origin: germline.

Blueprint Genetics
Classification: Likely benign. Last evaluated: 2024-11-26. Review status: criteria provided, single submitter. Criteria: ACMG Guidelines, 2015. Collection method: clinical testing. Allele origin: germline.

Mayo Clinic Laboratories, Mayo Clinic
Classification: Benign. Last evaluated: 2022-03-09. Review status: criteria provided, single submitter. Criteria: ACMG Guidelines, 2015. Collection method: clinical testing. Allele origin: germline. Observed: 7 variant alleles.

Illumina Laboratory Services, Illumina
Classification: Benign for Short-rib thoracic dysplasia 6 with or without polydactyly. Last evaluated: 2018-01-13. Review status: criteria provided, single submitter. Criteria: ICSL Variant Classification Criteria 13 December 2019. Collection method: clinical testing. Allele origin: germline.
Comment: This variant was observed in the ICSL laboratory as part of a predisposition screen in an ostensibly healthy population. It had not been previously curated by ICSL or reported in the Human Gene Mutation Database (HGMD: prior to June 1st, 2018), and was therefore a candidate for classification through an automated scoring system. Utilizing variant allele frequency, disease prevalence and penetrance estimates, and inheritance mode, an automated score was calculated to assess if this variant is too frequent to cause the disease. Based on the score and internal cut-off values, a variant classified as benign is not then subjected to further curation. The score for this variant resulted in a classification of benign for this disease.

GeneDx
Classification: Benign. Last evaluated: 2016-05-09. Review status: criteria provided, single submitter. Criteria: GeneDx Variant Classification (06012015). Collection method: clinical testing. Allele origin: germline. Affected: yes.
Comment: This variant is considered likely benign or benign based on one or more of the following criteria: it is a conservative change, it occurs at a poorly conserved position in the protein, it is predicted to be benign by multiple in silico algorithms, and/or has population frequency not consistent with disease.

Clinical Genetics DNA and cytogenetics Diagnostics Lab, Erasmus MC, Erasmus Medical Center
Classification: Benign for Short-rib thoracic dysplasia 6 with or without polydactyly. Last evaluated: 2015-09-21. Review status: criteria provided, single submitter. Criteria: ACGS Guidelines, 2013. Collection method: clinical testing. Allele origin: germline. Affected: yes. Study: VKGL Data-share Consensus.

Eurofins Ntd Llc (ga)
Classification: Benign. Last evaluated: 2013-03-06. Review status: criteria provided, single submitter. Criteria: EGL Classification Definitions 2015. Collection method: clinical testing. Allele origin: germline. Observed: 1 variant allele, 1 heterozygote.

Breakthrough Genomics
Classification: Benign. Review status: criteria provided, single submitter. Criteria: ACMG Guidelines, 2015. Collection method: not provided. Allele origin: germline. Inheritance: Autosomal recessive inheritance. Affected: yes.

Clinical Genetics, Academic Medical Center
Classification: Benign. Review status: no assertion criteria provided. Collection method: clinical testing. Allele origin: germline. Affected: yes. Study: VKGL Data-share Consensus. Not counted in ClinVar's aggregate classification.

Dr. Peter K. Rogan Lab, Western University
No classification provided (evidence only). Condition: Melanoma. Review status: no classification provided. Collection method: in vitro. Allele origin: not applicable. Functional consequence: retained intron. Not counted in ClinVar's aggregate classification.

Dr. Peter K. Rogan Lab, Western University
No classification provided (evidence only). Condition: Melanoma. Review status: no classification provided. Collection method: in vitro. Allele origin: not applicable. Functional consequence: retained intron. Not counted in ClinVar's aggregate classification.

Dr. Peter K. Rogan Lab, Western University
No classification provided (evidence only). Condition: Melanoma. Review status: no classification provided. Collection method: in vitro. Allele origin: not applicable. Functional consequence: retained intron. Not counted in ClinVar's aggregate classification.

Dr. Peter K. Rogan Lab, Western University
No classification provided (evidence only). Condition: Melanoma. Review status: no classification provided. Collection method: in vitro. Allele origin: not applicable. Functional consequence: retained intron. Not counted in ClinVar's aggregate classification.

Dr. Peter K. Rogan Lab, Western University
No classification provided (evidence only). Condition: Melanoma. Review status: no classification provided. Collection method: in vitro. Allele origin: not applicable. Functional consequence: retained intron. Not counted in ClinVar's aggregate classification.

Dr. Peter K. Rogan Lab, Western University
No classification provided (evidence only). Condition: Acute myeloid leukemia. Review status: no classification provided. Collection method: in vitro. Allele origin: not applicable. Functional consequence: retained intron. Not counted in ClinVar's aggregate classification.

Dr. Peter K. Rogan Lab, Western University
No classification provided (evidence only). Condition: Acute myeloid leukemia. Review status: no classification provided. Collection method: in vitro. Allele origin: not applicable. Functional consequence: retained intron. Not counted in ClinVar's aggregate classification.

Dr. Peter K. Rogan Lab, Western University
No classification provided (evidence only). Condition: Acute myeloid leukemia. Review status: no classification provided. Collection method: in vitro. Allele origin: not applicable. Functional consequence: retained intron. Not counted in ClinVar's aggregate classification.

Dr. Peter K. Rogan Lab, Western University
No classification provided (evidence only). Condition: Acute myeloid leukemia. Review status: no classification provided. Collection method: in vitro. Allele origin: not applicable. Functional consequence: retained intron. Not counted in ClinVar's aggregate classification.

Dr. Peter K. Rogan Lab, Western University
No classification provided (evidence only). Condition: Colorectal cancer. Review status: no classification provided. Collection method: in vitro. Allele origin: not applicable. Functional consequence: retained intron. Not counted in ClinVar's aggregate classification.

Dr. Peter K. Rogan Lab, Western University
No classification provided (evidence only). Condition: Colorectal cancer. Review status: no classification provided. Collection method: in vitro. Allele origin: not applicable. Functional consequence: retained intron. Not counted in ClinVar's aggregate classification.

Dr. Peter K. Rogan Lab, Western University
No classification provided (evidence only). Condition: Colorectal cancer. Review status: no classification provided. Collection method: in vitro. Allele origin: not applicable. Functional consequence: retained intron. Not counted in ClinVar's aggregate classification.

Dr. Peter K. Rogan Lab, Western University
No classification provided (evidence only). Condition: Colorectal cancer. Review status: no classification provided. Collection method: in vitro. Allele origin: not applicable. Functional consequence: retained intron. Not counted in ClinVar's aggregate classification.

Dr. Peter K. Rogan Lab, Western University
No classification provided (evidence only). Condition: Thyroid cancer, nonmedullary, 1. Review status: no classification provided. Collection method: in vitro. Allele origin: not applicable. Functional consequence: retained intron. Not counted in ClinVar's aggregate classification.

Dr. Peter K. Rogan Lab, Western University
No classification provided (evidence only). Condition: Thyroid cancer, nonmedullary, 1. Review status: no classification provided. Collection method: in vitro. Allele origin: not applicable. Functional consequence: retained intron. Not counted in ClinVar's aggregate classification.

Dr. Peter K. Rogan Lab, Western University
No classification provided (evidence only). Condition: Thyroid cancer, nonmedullary, 1. Review status: no classification provided. Collection method: in vitro. Allele origin: not applicable. Functional consequence: retained intron. Not counted in ClinVar's aggregate classification.

Dr. Peter K. Rogan Lab, Western University
No classification provided (evidence only). Condition: Thyroid cancer, nonmedullary, 1. Review status: no classification provided. Collection method: in vitro. Allele origin: not applicable. Functional consequence: retained intron. Not counted in ClinVar's aggregate classification.

Dr. Peter K. Rogan Lab, Western University
No classification provided (evidence only). Condition: Thyroid cancer, nonmedullary, 1. Review status: no classification provided. Collection method: in vitro. Allele origin: not applicable. Functional consequence: retained intron. Not counted in ClinVar's aggregate classification.

Dr. Peter K. Rogan Lab, Western University
No classification provided (evidence only). Condition: Thyroid cancer, nonmedullary, 1. Review status: no classification provided. Collection method: in vitro. Allele origin: not applicable. Functional consequence: retained intron. Not counted in ClinVar's aggregate classification.

Dr. Peter K. Rogan Lab, Western University
No classification provided (evidence only). Condition: Thyroid cancer, nonmedullary, 1. Review status: no classification provided. Collection method: in vitro. Allele origin: not applicable. Functional consequence: retained intron. Not counted in ClinVar's aggregate classification.

Dr. Peter K. Rogan Lab, Western University
No classification provided (evidence only). Condition: Thymoma. Review status: no classification provided. Collection method: in vitro. Allele origin: not applicable. Functional consequence: retained intron. Not counted in ClinVar's aggregate classification.

Dr. Peter K. Rogan Lab, Western University
No classification provided (evidence only). Condition: Thymoma. Review status: no classification provided. Collection method: in vitro. Allele origin: not applicable. Functional consequence: retained intron. Not counted in ClinVar's aggregate classification.

Dr. Peter K. Rogan Lab, Western University
No classification provided (evidence only). Condition: Germ cell tumor of testis. Review status: no classification provided. Collection method: in vitro. Allele origin: not applicable. Functional consequence: retained intron. Not counted in ClinVar's aggregate classification.

Dr. Peter K. Rogan Lab, Western University
No classification provided (evidence only). Condition: Uterine carcinosarcoma. Review status: no classification provided. Collection method: in vitro. Allele origin: not applicable. Functional consequence: retained intron. Not counted in ClinVar's aggregate classification.